The following is an entry in ClinVar:

ClinVar aggregate classification (germline): Pathogenic (1 of 4 stars; one submission).

Submission:

Labcorp Genetics (formerly Invitae), Labcorp
Classification: Pathogenic. Last evaluated: 2024-05-29. Review status: criteria provided, single submitter. Criteria: Invitae Variant Classification Sherloc (09022015). Collection method: clinical testing. Allele origin: germline.
Comment: This sequence change creates a premature translational stop signal (p.Ile93*) in the PRPF31 gene. It is expected to result in an absent or disrupted protein product. Loss-of-function variants in PRPF31 are known to be pathogenic (PMID: 18317597, 23950152). This variant is not present in population databases (gnomAD no frequency). This variant has not been reported in the literature in individuals affected with PRPF31-related conditions. ClinVar contains an entry for this variant (Variation ID: 2092562). For these reasons, this variant has been classified as Pathogenic.

Literature cited by the submitters: PubMed 18317597; PubMed 23950152.

NM_015629.4(PRPF31):c.264_276dup (p.Ile93Ter)

Genes: PRPF31 (pre-mRNA processing factor 31; plus strand), PRPF31-AS1 (PRPF31 antisense RNA 1; minus strand). Cytogenetic location: 19q13.42.
Variant type: Duplication.
Coding change: c.264_276dup on transcript NM_015629.4 (MANE Select); coding-DNA positions 264 to 276, 13 bases duplicated (TGAATACCGCGTC).
Protein change: p.Ile93Ter; replaces isoleucine 93 with a stop codon.
Molecular consequence: nonsense.
Genome position (GRCh38, 1-based): chr19:54,121,885-54,121,897, TGAATACCGCGTC duplicated; duplicating any 13 consecutive bases within chr19:54,121,884-54,121,897 gives the same sequence; the c. name uses the placement nearest the transcript's 3' end. VCF-style (leftmost placement, unchanged base first): chr19-54121883-C-CCTGAATACCGCGT. GRCh37 (hg19) VCF-style: chr19-54625262-C-CCTGAATACCGCGT.
Other names: short protein forms I93*.
Identifiers: ClinVar variation 2092562 (VCV002092562.4), dbSNP rs2516116438, ClinGen allele CA2580097761.